The following is an entry in ClinVar:

ClinVar aggregate classification (germline): Uncertain significance (1 of 4 stars; one submission).

Conditions:
Cardiovascular phenotype. Identifiers: MedGen CN230736.

gnomAD v4.1: 23 of 1,613,904 alleles (0.0014%); highest among the groups gnomAD compares: South Asian, 0.024%; no homozygotes.

Submission:

Ambry Genetics
Classification: Uncertain significance for Cardiovascular phenotype. Last evaluated: 2024-11-17. Review status: criteria provided, single submitter. Criteria: Ambry Variant Classification Scheme 2023. Collection method: clinical testing. Allele origin: germline.
Comment: The p.I1552T variant (also known as c.4655T>C), located in coding exon 33 of the LAMA4 gene, results from a T to C substitution at nucleotide position 4655. The isoleucine at codon 1552 is replaced by threonine, an amino acid with similar properties. This amino acid position is conserved. In addition, this alteration is predicted to be tolerated by in silico analysis. Based on the available evidence, the clinical significance of this variant remains unclear.

NM_001105206.3(LAMA4):c.4676T>C (p.Ile1559Thr)

Gene: LAMA4 (laminin subunit alpha 4; minus strand). Cytogenetic location: 6q21.
Variant type: single nucleotide variant.
Coding change: c.4676T>C on transcript NM_001105206.3 (MANE Select); coding-DNA position 4676, T replaced by C.
Protein change: p.Ile1559Thr; replaces isoleucine 1559 with threonine.
Molecular consequence: missense variant.
Genome position (GRCh38, 1-based): chr6:112,119,301, A>G on the plus strand (T>C on the coding strand, the complement: LAMA4 is on the minus strand). VCF-style: chr6-112119301-A-G. GRCh37 (hg19) VCF-style: chr6-112440504-A-G.
Other names: c.4655T>C, p.Ile1552Thr (NM_001105207.3, NM_002290.5); short protein forms I1552T, I1559T.
Identifiers: ClinVar variation 3536931 (VCV003536931.1).